The following is an entry in ClinVar:

ClinVar aggregate classification (germline): Uncertain significance (1 of 4 stars; one submission).

Allele frequency attached by ClinVar (database versions not stated): gnomAD exomes below 0.00001.
gnomAD v4.1: 1 of 1,592,554 alleles (0.000063%); highest among the groups gnomAD compares: Non-Finnish European, 0.000085%; no homozygotes.

Submission:

Labcorp Genetics (formerly Invitae), Labcorp
Classification: Uncertain significance. Last evaluated: 2023-08-24. Review status: criteria provided, single submitter. Criteria: Invitae Variant Classification Sherloc (09022015). Collection method: clinical testing. Allele origin: germline.
Comment: This variant has not been reported in the literature in individuals affected with ATP1A1-related conditions. This variant is not present in population databases (gnomAD no frequency). This sequence change falls in intron 10 of the ATP1A1 gene. It does not directly change the encoded amino acid sequence of the ATP1A1 protein. ClinVar contains an entry for this variant (Variation ID: 2127308). In summary, the available evidence is currently insufficient to determine the role of this variant in disease. Therefore, it has been classified as a Variant of Uncertain Significance. Algorithms developed to predict the effect of sequence changes on RNA splicing suggest that this variant may disrupt the consensus splice site.

NM_000701.8(ATP1A1):c.1333-20G>C

Gene: ATP1A1 (ATPase Na+/K+ transporting subunit alpha 1; plus strand). Cytogenetic location: 1p13.1.
Variant type: single nucleotide variant.
Coding change: c.1333-20G>C on transcript NM_000701.8 (MANE Select); 20 bases into the intron before coding-DNA position 1333, G replaced by C.
Molecular consequence: intron variant.
Genome position (GRCh38, 1-based): chr1:116,392,834, G>C. VCF-style: chr1-116392834-G-C. GRCh37 (hg19) VCF-style: chr1-116935456-G-C.
Other names: c.1333-20G>C (NM_001160233.2); c.1240-20G>C (NM_001160234.2).
Identifiers: ClinVar variation 2127308 (VCV002127308.4), dbSNP rs2525849431, ClinGen allele CA419902974.
Genomic context (GRCh38, chr1:116,392,834, plus strand): 5'-TGAGTTATTTTTCCTGTTTTTTAGTGATGCCTCAGTGAAATTTTTTGGAGATAATTTACA[G>C]ATGATGTCTCTGTTCACAGCGGGCAGTTGCAGGAGATGCCTCTGAGTCAGCACTCTTAAA-3'